The following is an entry in ClinVar:

NM_000219.6(KCNE1):c.65A>G (p.Gln22Arg)

Gene: KCNE1 (potassium voltage-gated channel subfamily E regulatory subunit 1; minus strand). Cytogenetic location: 21q22.12.
Variant type: single nucleotide variant.
Coding change: c.65A>G on transcript NM_000219.6 (MANE Select); coding-DNA position 65, A replaced by G.
Protein change: p.Gln22Arg; replaces glutamine 22 with arginine.
Molecular consequence: missense variant.
Genome position (GRCh38, 1-based): chr21:34,449,570, T>C on the plus strand (A>G on the coding strand, the complement: KCNE1 is on the minus strand). VCF-style: chr21-34449570-T-C. GRCh37 (hg19) VCF-style: chr21-35821868-T-C.
Other names: c.65A>G, p.Gln22Arg (NM_001127668.4, NM_001127669.4, NM_001127670.4 and 4 more transcripts); short protein forms Q22R.
Identifiers: ClinVar variation 3373951 (VCV003373951.2).

Conditions:
Long QT syndrome 5 (LQT5). Identifiers: Orphanet 101016, Orphanet 768, MedGen C1867904, MONDO:0013372, OMIM 613695.

Submission:

Roden Lab, Vanderbilt University Medical Center
No classification provided (evidence only). Condition: Long QT syndrome 5. Review status: no classification provided. Collection method: in vitro. Allele origin: not applicable. Functional consequence: Effect on ion channel function.
ClinVar note: "not provided" was previously submitted as the classification for the variant. However, the classification appeared to be based only on an observation of functional data so it was converted to no classification on 2025-07-30.